The following is an entry in ClinVar:

NM_000426.4(LAMA2):c.4983C>T (p.Gly1661=)

Gene: LAMA2 (laminin subunit alpha 2; plus strand). Cytogenetic location: 6q22.33.
Variant type: single nucleotide variant.
Coding change: c.4983C>T on transcript NM_000426.4 (MANE Select); coding-DNA position 4983, C replaced by T.
Protein change: p.Gly1661=; no amino-acid change (glycine 1661 retained).
Molecular consequence: synonymous variant.
Genome position (GRCh38, 1-based): chr6:129,383,145, C>T. VCF-style: chr6-129383145-C-T. GRCh37 (hg19) VCF-style: chr6-129704290-C-T.
Other names: c.4983C>T, p.Gly1661= (NM_001079823.2).
Identifiers: ClinVar variation 1945018 (VCV001945018.33), dbSNP rs772192888, ClinGen allele CA3993746.
Genomic context (GRCh38, chr6:129,383,145, plus strand): 5'-TCTATTAATTATGTGTTTCCCGAATTTGGATCATTAGGCTACCAAAGTGACAGCAGATGG[C>T]GAGCAGACCGGACAGGATGCTGAGAGGACCAACACAAGAGCAAAGTCCCTGGGAGAATTC-3'
Protein context (NP_000417.3, residues 1651-1671): LTRATKVTAD[Gly1661=]EQTGQDAERT

ClinVar aggregate classification (germline): Conflicting classifications of pathogenicity. Review status: criteria provided, conflicting classifications (1 of 4 stars). 4 submissions from 4 submitters: Uncertain significance (2); Likely benign (2). Last evaluated 2024-10-10.

Conditions:
LAMA2-related muscular dystrophy (LAMA2-RD). Also called: Laminin alpha 2-related dystrophy. Identifiers: MedGen C5679788, MONDO:0100228.

Allele frequency attached by ClinVar (database versions not stated): ExAC 0.00003; gnomAD 0.00004.
gnomAD v4.1: 78 of 1,613,660 alleles (0.0048%); highest among the groups gnomAD compares: Middle Eastern, 0.017%; no homozygotes.

Submissions (6):

Athena Diagnostics
Classification: Uncertain significance. Last evaluated: 2024-10-10. Review status: criteria provided, single submitter. Criteria: Athena Diagnostics Criteria. Collection method: clinical testing. Allele origin: unknown.
Comment: Available data are insufficient to determine the clinical significance of the variant at this time. The frequency of this variant in the general population is uninformative in assessment of its pathogenicity. Computational tools yielded predictions that this variant may result in the gain of a cryptic splice site without affecting the natural splice sites.

Labcorp Genetics (formerly Invitae), Labcorp
Classification: Likely benign for LAMA2-related muscular dystrophy. Last evaluated: 2024-05-20. Review status: criteria provided, single submitter. Criteria: Invitae Variant Classification Sherloc (09022015). Collection method: clinical testing. Allele origin: germline.

Women's Health and Genetics/Laboratory Corporation of America, LabCorp
Classification: Uncertain significance. Last evaluated: 2024-03-29. Review status: criteria provided, single submitter. Criteria: LabCorp Variant Classification Summary - May 2015. Collection method: clinical testing. Allele origin: germline.
Comment: Variant summary: LAMA2 c.4983C>T alters a conserved nucleotide resulting in a synonymous change. Several computational tools predict a significant impact on normal splicing: Four predict the variant creates a 5' donor site. However, these predictions have yet to be confirmed by functional studies. The variant allele was found at a frequency of 3.2e-05 in 250198 control chromosomes. The available data on variant occurrences in the general population are insufficient to allow any conclusion about variant significance. To our knowledge, no occurrence of c.4983C>T in individuals affected with Laminin Alpha 2-Related Dystrophy and no experimental evidence demonstrating its impact on protein function have been reported. ClinVar contains an entry for this variant (Variation ID: 1945018). Based on the evidence outlined above, the variant was classified as VUS.

CeGaT Center for Human Genetics Tuebingen
Classification: Likely benign. Last evaluated: 2022-04-01. Review status: criteria provided, single submitter. Criteria: CeGaT Center For Human Genetics Tuebingen Variant Classification Criteria Version 2. Collection method: clinical testing. Allele origin: germline. Affected: yes. Observed: 1 variant allele.
Comment: LAMA2: BP4, BP7

Dr. Peter K. Rogan Lab, Western University
No classification provided (evidence only). Condition: Nonpapillary renal cell carcinoma. Review status: no classification provided. Collection method: in vitro. Allele origin: not applicable. Functional consequence: retained intron. Not counted in ClinVar's aggregate classification.

Dr. Peter K. Rogan Lab, Western University
No classification provided (evidence only). Condition: Nonpapillary renal cell carcinoma. Review status: no classification provided. Collection method: in vitro. Allele origin: not applicable. Functional consequence: retained intron. Not counted in ClinVar's aggregate classification.